The following is an entry in ClinVar:

ClinVar aggregate classification (germline): Pathogenic (1 of 4 stars; one submission).

Conditions:
Neurometabolic disorder due to serine deficiency. Identifiers: Orphanet 35705, MedGen C5680148, MONDO:0018162.

Submission:

Myriad Genetics, Inc.
Classification: Pathogenic for Neurometabolic disorder due to serine deficiency. Last evaluated: 2024-05-14. Review status: criteria provided, single submitter. Criteria: Myriad Autosomal Dominant, Autosomal Recessive and X-Linked Classification Criteria (2023). Collection method: clinical testing. Allele origin: unknown.
Comment: NM_006623.3(PHGDH):c.931_934del4ins20(S311Lfs*89) is expected to be pathogenic in the context of serine deficiency disorder, PHGDH-related. This variant is predicted to lead to an abnormal or absent protein product due to the creation of a premature termination codon in PHGDH, a gene where loss-of-function variants are known to be pathogenic. Please note: this variant was assessed in the context of healthy population screening.

NM_006623.4(PHGDH):c.931_934delinsCTGTCTCTTATACACATCTG (p.Ser311fs)

Gene: PHGDH (phosphoglycerate dehydrogenase; plus strand). Cytogenetic location: 1p12.
Variant type: Indel.
Coding change: c.931_934delinsCTGTCTCTTATACACATCTG on transcript NM_006623.4 (MANE Select); coding-DNA positions 931 to 934, TCTC replaced by CTGTCTCTTATACACATCTG.
Protein change: p.Ser311fs; shifts the reading frame from serine 311.
Molecular consequence: frameshift variant.
Genome position (GRCh38, 1-based): chr1:119,737,252-119,737,255, TCTC replaced by CTGTCTCTTATACACATCTG. VCF-style: chr1-119737252-TCTC-CTGTCTCTTATACACATCTG. GRCh37 (hg19) VCF-style: chr1-120279875-TCTC-CTGTCTCTTATACACATCTG.
Other names: short protein forms S311fs.
Identifiers: ClinVar variation 5010905 (VCV005010905.1).